The following is an entry in ClinVar:

NM_000320.3(QDPR):c.661C>T (p.Arg221Ter)

Gene: QDPR (quinoid dihydropteridine reductase; minus strand). Cytogenetic location: 4p15.32.
Variant type: single nucleotide variant.
Coding change: c.661C>T on transcript NM_000320.3 (MANE Select); coding-DNA position 661, C replaced by T.
Protein change: p.Arg221Ter; replaces arginine 221 with a stop codon.
Molecular consequence: nonsense. On other transcripts: non-coding transcript variant (1).
Genome position (GRCh38, 1-based): chr4:17,487,205, G>A on the plus strand (C>T on the coding strand, the complement: QDPR is on the minus strand). VCF-style: chr4-17487205-G-A. GRCh37 (hg19) VCF-style: chr4-17488828-G-A.
Other names: c.568C>T, p.Arg190Ter (NM_001306140.2); short protein forms R190*, R221*.
Identifiers: ClinVar variation 802058 (VCV000802058.11), dbSNP rs779997983, ClinGen allele CA2868005.
Genomic context (GRCh38, chr4:17,487,205, plus strand): 5'-GGGTGAGTTCCGTCCTTCCTTCTGTGGTTACCACCTGGATTAGGCTTCCTGAGCTCGGTC[G>A]GTTTTTCCCTGTGATCCAGTCATGGAAAGTTCTGGAACAGAAAATAAAAGTTTTTTTTAT-3'

ClinVar aggregate classification (germline): Pathogenic. Review status: criteria provided, multiple submitters, no conflicts (2 of 4 stars). 4 submissions from 4 submitters: Pathogenic (4). Last evaluated 2026-02-06.

Conditions:
Dihydropteridine reductase deficiency (HPABH4C). Also called: BH4-Deficient Hyperphenylalaninemia C; Phenylketonuria II; Hyperphenylalaninemia due to dihydropteridine reductase deficiency; Hyperphenylalaninemia, BH-4-deficient, C; Phenylketonuria type 2; DHPR DEFICIENCY. Identifiers: Orphanet 226, Orphanet 238583, MedGen C0268465, MONDO:0009862, OMIM 261630.

Allele frequency attached by ClinVar (database versions not stated): gnomAD exomes 0.00001; ExAC 0.00001; gnomAD 0.00001; TOPMed 0.00001.
gnomAD v4.1: 10 of 1,613,970 alleles (0.00062%); highest among the groups gnomAD compares: Admixed American, 0.0017%; no homozygotes.

Submissions (4):

Dasa
Classification: Pathogenic. Last evaluated: 2026-02-06. Review status: criteria provided, single submitter. Criteria: DASA Assertion Criteria. Collection method: clinical testing. Allele origin: germline.
Comment: NM_000320.3(QDPR):c.661C>T (p.Arg221*) introduces a premature termination codon. Loss-of-function is an established mechanism of disease for this gene. The variant has been reported in individuals with dihydropteridine reductase deficiency (PMID: 36313470, 37818795, 40336053, 40598568). It is present at low frequency in population datasets. Based on the available data, this variant is classified as pathogenic.

Labcorp Genetics (formerly Invitae), Labcorp
Classification: Pathogenic for Dihydropteridine reductase deficiency. Last evaluated: 2025-11-24. Review status: criteria provided, single submitter. Criteria: Invitae Variant Classification Sherloc (09022015). Collection method: clinical testing. Allele origin: germline.
Comment: This sequence change creates a premature translational stop signal (p.Arg221*) in the QDPR gene. While this is not anticipated to result in nonsense mediated decay, it is expected to disrupt the last 24 amino acid(s) of the QDPR protein. This variant is present in population databases (rs779997983, gnomAD 0.003%). This premature translational stop signal has been observed in individual(s) with biopterin-deficient hyperphenylalaninemia (PMID: 8518287, 19099731, 27246466, 30109838). ClinVar contains an entry for this variant (Variation ID: 802058). Algorithms developed to predict the effect of sequence changes on RNA splicing suggest that this variant may disrupt the consensus splice site. For these reasons, this variant has been classified as Pathogenic.

Fulgent Genetics
Classification: Pathogenic for Dihydropteridine reductase deficiency. Last evaluated: 2024-05-01. Review status: criteria provided, single submitter. Criteria: ACMG Guidelines, 2015. Collection method: clinical testing. Allele origin: germline.

Mendelics
Classification: Pathogenic for Dihydropteridine reductase deficiency. Last evaluated: 2019-05-28. Review status: criteria provided, single submitter. Criteria: Mendelics Assertion Criteria 2017. Collection method: clinical testing. Allele origin: unknown.

Literature cited by the submitters: PubMed 40598568 (cited by Dasa); PubMed 40336053 (cited by Dasa); PubMed 37818795 (cited by Dasa); PubMed 36313470 (cited by Dasa); PubMed 8518287 (cited by Labcorp Genetics (formerly Invitae), Labcorp); PubMed 19099731 (cited by Labcorp Genetics (formerly Invitae), Labcorp); PubMed 27246466 (cited by Labcorp Genetics (formerly Invitae), Labcorp); PubMed 30109838 (cited by Labcorp Genetics (formerly Invitae), Labcorp).